The following is an entry in ClinVar:

NM_005654.6(NR2F1):c.76G>A (p.Ala26Thr)

Genes: NR2F1 (nuclear receptor subfamily 2 group F member 1; plus strand), NR2F1-AS1 (NR2F1 regulatory antisense RNA 1; minus strand). Cytogenetic location: 5q15.
Variant type: single nucleotide variant.
Coding change: c.76G>A on transcript NM_005654.6 (MANE Select); coding-DNA position 76, G replaced by A.
Protein change: p.Ala26Thr; replaces alanine 26 with threonine.
Molecular consequence: missense variant.
Genome position (GRCh38, 1-based): chr5:93,585,099, G>A. VCF-style: chr5-93585099-G-A. GRCh37 (hg19) VCF-style: chr5-92920805-G-A.
Other names: short protein forms A26T.
Identifiers: ClinVar variation 3635388 (VCV003635388.2).

ClinVar aggregate classification (germline): Uncertain significance (1 of 4 stars; one submission).

gnomAD v4.1: 1 of 1,001,374 alleles (0.0001%); highest among the groups gnomAD compares: Non-Finnish European, 0.00012%; no homozygotes.

Submission:

Labcorp Genetics (formerly Invitae), Labcorp
Classification: Uncertain significance. Last evaluated: 2025-03-31. Review status: criteria provided, single submitter. Criteria: Invitae Variant Classification Sherloc (09022015). Collection method: clinical testing. Allele origin: germline.
Comment: This sequence change replaces alanine, which is neutral and non-polar, with threonine, which is neutral and polar, at codon 26 of the NR2F1 protein (p.Ala26Thr). The frequency data for this variant in the population databases is considered unreliable, as metrics indicate insufficient coverage at this position in the gnomAD database. This variant has not been reported in the literature in individuals affected with NR2F1-related conditions. Invitae Evidence Modeling of protein sequence and biophysical properties (such as structural, functional, and spatial information, amino acid conservation, physicochemical variation, residue mobility, and thermodynamic stability) indicates that this missense variant is not expected to disrupt NR2F1 protein function with a negative predictive value of 95%. In summary, the available evidence is currently insufficient to determine the role of this variant in disease. Therefore, it has been classified as a Variant of Uncertain Significance.